The following is an entry in ClinVar:

NM_001330.5(CTF1):c.464C>A (p.Pro155His)

Genes: CTF1 (cardiotrophin 1; plus strand), LOC130058878 (ATAC-STARR-seq lymphoblastoid silent region 7400; plus strand). Cytogenetic location: 16p11.2.
Variant type: single nucleotide variant.
Coding change: c.464C>A on transcript NM_001330.5 (MANE Select); coding-DNA position 464, C replaced by A.
Protein change: p.Pro155His; replaces proline 155 with histidine.
Molecular consequence: missense variant. On other transcripts: non-coding transcript variant (1).
Genome position (GRCh38, 1-based): chr16:30,902,397, C>A. VCF-style: chr16-30902397-C-A. GRCh37 (hg19) VCF-style: chr16-30913718-C-A.
Other names: c.464C>A (NM_001330.3); c.461C>A, p.Pro154His (NM_001142544.3); short protein forms P154H, P155H.
Identifiers: ClinVar variation 999720 (VCV000999720.10), dbSNP rs779426091, ClinGen allele CA8015498.
Genomic context (GRCh38, chr16:30,902,397, plus strand): 5'-CCGTGGAGGCCTTGCTGGCCGCGCTGGGCGCCGCCAACCGCGGGCCCCGGGCCGAGCCCC[C>A]CGCCGCCACCGCCTCAGCCGCCTCCGCCACCGGGGTCTTCCCCGCCAAGGTGCTGGGGCT-3'
Protein context (NP_001321.1, residues 145-165): AANRGPRAEP[Pro155His]AATASAASAT

ClinVar aggregate classification (germline): Uncertain significance. Review status: criteria provided, multiple submitters, no conflicts (2 of 4 stars). 2 submissions from 2 submitters: Uncertain significance (2). Last evaluated 2025-10-15.

Allele frequency attached by ClinVar (database versions not stated): gnomAD exomes 0.00007; ExAC 0.00209.

Submissions (2):

Ambry Genetics
Classification: Uncertain significance. Last evaluated: 2025-10-15. Review status: criteria provided, single submitter. Criteria: Ambry Variant Classification Scheme 2023. Collection method: clinical testing. Allele origin: germline.

Labcorp Genetics (formerly Invitae), Labcorp
Classification: Uncertain significance. Last evaluated: 2024-01-19. Review status: criteria provided, single submitter. Criteria: Invitae Variant Classification Sherloc (09022015). Collection method: clinical testing. Allele origin: germline.
Comment: This sequence change replaces proline, which is neutral and non-polar, with histidine, which is basic and polar, at codon 155 of the CTF1 protein (p.Pro155His). The frequency data for this variant in the population databases is considered unreliable, as metrics indicate poor data quality at this position in the gnomAD database. This variant has not been reported in the literature in individuals affected with CTF1-related conditions. ClinVar contains an entry for this variant (Variation ID: 999720). An algorithm developed to predict the effect of missense changes on protein structure and function (PolyPhen-2) suggests that this variant is likely to be tolerated. In summary, the available evidence is currently insufficient to determine the role of this variant in disease. Therefore, it has been classified as a Variant of Uncertain Significance.